The following is an entry in ClinVar:

NM_006205.3(PDE6H):c.*319T>C

Gene: PDE6H (phosphodiesterase 6H; plus strand). Cytogenetic location: 12p12.3.
Variant type: single nucleotide variant.
Coding change: c.*319T>C on transcript NM_006205.3 (MANE Select); 319 bases downstream of the stop codon, T replaced by C.
Molecular consequence: 3 prime UTR variant.
Genome position (GRCh38, 1-based): chr12:14,981,795, T>C. VCF-style: chr12-14981795-T-C. GRCh37 (hg19) VCF-style: chr12-15134729-T-C.
Identifiers: ClinVar variation 307788 (VCV000307788.6), dbSNP rs3748304, ClinGen allele CA10636916.

ClinVar aggregate classification (germline): Benign. Review status: criteria provided, multiple submitters, no conflicts (2 of 4 stars). 2 submissions from 2 submitters: Benign (2). Last evaluated 2018-01-12.

Conditions:
Achromatopsia 6. Also called: RETINAL CONE DYSTROPHY 3A; CONE DYSTROPHY WITH NIGHT BLINDNESS AND SUPERNORMAL ROD RESPONSES, PDE6H-RELATED. Identifiers: Orphanet 49382, MedGen C1864900, MONDO:0012398, OMIM 610024.

Allele frequency attached by ClinVar (database versions not stated): gnomAD 0.00160 and 0.00252; TOPMed 0.00331; gnomAD exomes 0.00467; 1000 Genomes Project 30x 0.01046; 1000 Genomes Project 0.01258.
gnomAD v4.1: 1,634 of 427,480 alleles (0.38%); highest among the groups gnomAD compares: East Asian, 7.1%; 60 homozygotes.

Submissions (2):

Illumina Laboratory Services, Illumina
Classification: Benign for Achromatopsia 6. Last evaluated: 2018-01-12. Review status: criteria provided, single submitter. Criteria: ICSL Variant Classification Criteria 13 December 2019. Collection method: clinical testing. Allele origin: germline.
Comment: This variant was observed in the ICSL laboratory as part of a predisposition screen in an ostensibly healthy population. It had not been previously curated by ICSL or reported in the Human Gene Mutation Database (HGMD: prior to June 1st, 2018), and was therefore a candidate for classification through an automated scoring system. Utilizing variant allele frequency, disease prevalence and penetrance estimates, and inheritance mode, an automated score was calculated to assess if this variant is too frequent to cause the disease. Based on the score and internal cut-off values, a variant classified as benign is not then subjected to further curation. The score for this variant resulted in a classification of benign for this disease.

Breakthrough Genomics
Classification: Benign. Review status: criteria provided, single submitter. Criteria: ACMG Guidelines, 2015. Collection method: not provided. Allele origin: germline. Inheritance: Autosomal dominant inheritance. Affected: yes.